The following is an entry in ClinVar:

ClinVar aggregate classification (germline): Pathogenic (1 of 4 stars; one submission).

Submission:

Labcorp Genetics (formerly Invitae), Labcorp
Classification: Pathogenic. Last evaluated: 2022-12-21. Review status: criteria provided, single submitter. Criteria: Invitae Variant Classification Sherloc (09022015). Collection method: clinical testing. Allele origin: unknown.
Comment: For these reasons, this variant has been classified as Pathogenic. This variant disrupts a region of the OCA2 protein in which other variant(s) (p.Phe809Ile) have been determined to be pathogenic (PMID: 29345414; Invitae). This suggests that this is a clinically significant region of the protein, and that variants that disrupt it are likely to be disease-causing. This variant has not been reported in the literature in individuals affected with OCA2-related conditions. This variant is a gross deletion of the genomic region encompassing exon(s) 12-23 of the OCA2 gene. While this deletion is not anticipated to lead to nonsense mediated decay, it is expected to disrupt the C-terminus of the protein.

Literature cited by the submitters: PubMed 29345414.

NC_000015.9:g.(?_28090085)_(28231809_?)del

Gene: OCA2 (OCA2 melanosomal transmembrane protein; minus strand). Cytogenetic location: 15q12-13.1.
Variant type: Deletion.
Identifiers: ClinVar variation 3243838 (VCV003243838.1).